The following is an entry in ClinVar:

ClinVar aggregate classification (germline): Uncertain significance (1 of 4 stars; one submission).

Submission:

Ambry Genetics
Classification: Uncertain significance. Last evaluated: 2025-03-02. Review status: criteria provided, single submitter. Criteria: Ambry Variant Classification Scheme 2023. Collection method: clinical testing. Allele origin: germline.
Comment: The p.I750L variant (also known as c.2248A>T), located in coding exon 1 of the TET2 gene, results from an A to T substitution at nucleotide position 2248. The isoleucine at codon 750 is replaced by leucine, an amino acid with highly similar properties. This amino acid position is conserved. In addition, this alteration is predicted to be tolerated by in silico analysis. Based on the available evidence, the clinical significance of this variant remains unclear.

NM_001127208.3(TET2):c.2248A>T (p.Ile750Leu)

Genes: TET2 (tet methylcytosine dioxygenase 2; plus strand), TET2-AS1 (TET2 antisense RNA 1; minus strand). Cytogenetic location: 4q24.
Variant type: single nucleotide variant.
Coding change: c.2248A>T on transcript NM_001127208.3 (MANE Select); coding-DNA position 2248, A replaced by T.
Protein change: p.Ile750Leu; replaces isoleucine 750 with leucine.
Molecular consequence: missense variant.
Genome position (GRCh38, 1-based): chr4:105,236,190, A>T. VCF-style: chr4-105236190-A-T. GRCh37 (hg19) VCF-style: chr4-106157347-A-T.
Other names: c.2248A>T, p.Ile750Leu (NM_017628.4); short protein forms I750L.
Identifiers: ClinVar variation 3806098 (VCV003806098.1).
Genomic context (GRCh38, chr4:105,236,190, plus strand): 5'-ACACAACCATCCCAGAGTTCACATCTCCCTCAAAACCAGCAACAGCAGCAAAAATTACAA[A>T]TAAAGAATAAAGAGGAAATACTCCAGACTTTTCCTCACCCCCAAAGCAACAATGATCAGC-3'
Protein context (NP_001120680.1, residues 740-760): QNQQQQQKLQ[Ile750Leu]KNKEEILQTF